The following is an entry in ClinVar:

ClinVar aggregate classification (germline): Uncertain significance (1 of 4 stars; one submission).

Submission:

Labcorp Genetics (formerly Invitae), Labcorp
Classification: Uncertain significance. Last evaluated: 2018-10-25. Review status: criteria provided, single submitter. Criteria: Invitae Variant Classification Sherloc (09022015). Collection method: clinical testing. Allele origin: germline.
Comment: In summary, the available evidence is currently insufficient to determine the role of this variant in disease. Therefore, it has been classified as a Variant of Uncertain Significance. Algorithms developed to predict the effect of missense changes on protein structure and function are either unavailable or do not agree on the potential impact of this missense change (SIFT: "Deleterious"; PolyPhen-2: "Probably Damaging"; Align-GVGD: "Class C0"). This variant has not been reported in the literature in individuals with NSD1-related disease. This variant is not present in population databases (ExAC no frequency). This sequence change replaces glutamic acid with glycine at codon 1758 of the NSD1 protein (p.Glu1758Gly). The glutamic acid residue is moderately conserved and there is a moderate physicochemical difference between glutamic acid and glycine.

NM_022455.5(NSD1):c.5273A>G (p.Glu1758Gly)

Gene: NSD1 (nuclear receptor binding SET domain protein 1; plus strand). Cytogenetic location: 5q35.3.
Variant type: single nucleotide variant.
Coding change: c.5273A>G on transcript NM_022455.5 (MANE Select); coding-DNA position 5273, A replaced by G.
Protein change: p.Glu1758Gly; replaces glutamic acid 1758 with glycine.
Molecular consequence: missense variant.
Genome position (GRCh38, 1-based): chr5:177,267,688, A>G. VCF-style: chr5-177267688-A-G. GRCh37 (hg19) VCF-style: chr5-176694689-A-G.
Other names: c.4400A>G, p.Glu1467Gly (NM_001365684.2, NM_001409308.1, NM_001409309.1 and 1 more transcripts); c.5273A>G, p.Glu1758Gly (NM_001409301.1, NM_001409302.1, NM_001409303.1); c.4853A>G, p.Glu1618Gly (NM_001409304.1); c.4520A>G, p.Glu1507Gly (NM_001409305.1); c.4511A>G, p.Glu1504Gly (NM_001409306.1, NM_001409307.1); short protein forms E1489G, E1758G, E1467G, E1504G, E1507G, E1618G.
Identifiers: ClinVar variation 660307 (VCV000660307.9), dbSNP rs1581491894, ClinGen allele CA362306063.